The following is an entry in ClinVar:

ClinVar aggregate classification (germline): Conflicting classifications of pathogenicity. Review status: criteria provided, conflicting classifications (1 of 4 stars). 3 submissions from 3 submitters: Pathogenic (1); Likely pathogenic (1); Uncertain significance (1). Last evaluated 2024-06-27.

Conditions:
Hereditary breast ovarian cancer syndrome. Also called: Hereditary breast and ovarian cancer; Hereditary breast and/or ovarian cancer syndrome; Breast and ovarian cancer; BRCA1- and BRCA2-Associated Hereditary Breast and Ovarian Cancer; Hereditary breast and ovarian cancer syndrome; Hereditary breast and ovarian cancer syndrome (HBOC). Identifiers: Orphanet 145, MedGen C0677776, MeSH D061325, MONDO:0003582. Disease mechanism: loss of function.

Allele frequency attached by ClinVar (database versions not stated): gnomAD exomes 0.00001; gnomAD 0.00003; ExAC 0.00001; TOPMed 0.00002.
gnomAD v4.1: 29 of 1,613,868 alleles (0.0018%); highest among the groups gnomAD compares: South Asian, 0.0033%; no homozygotes.

Submissions (3):

Ambry Genetics
Classification: Uncertain significance. Last evaluated: 2024-06-27. Review status: criteria provided, single submitter. Criteria: Ambry Variant Classification Scheme 2023. Collection method: clinical testing. Allele origin: germline.
Comment: The p.R535* variant (also known as c.1603C>T), located in coding exon 11 of the RINT1 gene, results from a C to T substitution at nucleotide position 1603. This changes the amino acid from an arginine to a stop codon within coding exon 11. This alteration is expected to result in premature protein truncation or nonsense-mediated mRNA decay. However, the gene-disease association for RINT1 has not been established. Since supporting evidence is limited at this time, the clinical significance of this alteration remains unclear.

Labcorp Genetics (formerly Invitae), Labcorp
Classification: Pathogenic. Last evaluated: 2024-01-20. Review status: criteria provided, single submitter. Criteria: Invitae Variant Classification Sherloc (09022015). Collection method: clinical testing. Allele origin: germline.
Comment: This sequence change creates a premature translational stop signal (p.Arg535*) in the RINT1 gene. It is expected to result in an absent or disrupted protein product. Loss-of-function variants in RINT1 are known to be pathogenic (PMID: 31204009). This variant is present in population databases (rs764298491, gnomAD 0.003%). This variant has not been reported in the literature in individuals affected with RINT1-related conditions. ClinVar contains an entry for this variant (Variation ID: 657221). Algorithms developed to predict the effect of sequence changes on RNA splicing suggest that this variant may disrupt the consensus splice site. For these reasons, this variant has been classified as Pathogenic.

Cancer Genomics Group, Japanese Foundation For Cancer Research
Classification: Likely pathogenic for Hereditary breast ovarian cancer syndrome. Last evaluated: 2022-03-30. Review status: criteria provided, single submitter. Criteria: ACMG Guidelines, 2015. Collection method: research. Allele origin: germline. Affected: yes.

Literature cited by the submitters: PubMed 31204009 (cited by Labcorp Genetics (formerly Invitae), Labcorp).

NM_021930.6(RINT1):c.1603C>T (p.Arg535Ter)

Gene: RINT1 (RAD50 interactor 1; plus strand). Cytogenetic location: 7q22.3.
Variant type: single nucleotide variant.
Coding change: c.1603C>T on transcript NM_021930.6 (MANE Select); coding-DNA position 1603, C replaced by T.
Protein change: p.Arg535Ter; replaces arginine 535 with a stop codon.
Molecular consequence: nonsense.
Genome position (GRCh38, 1-based): chr7:105,555,159, C>T. VCF-style: chr7-105555159-C-T. GRCh37 (hg19) VCF-style: chr7-105195606-C-T.
Other names: c.1369C>T, p.Arg457Ter (NM_001346599.2); c.580C>T, p.Arg194Ter (NM_001346600.2, NM_001346603.2); c.679C>T, p.Arg227Ter (NM_001346601.2); short protein forms R194*, R457*, R227*, R535*.
Identifiers: ClinVar variation 657221 (VCV000657221.15), dbSNP rs764298491, ClinGen allele CA4426714.